The following is an entry in ClinVar:

ClinVar aggregate classification (germline): Pathogenic (1 of 4 stars; one submission).

Conditions:
Hypohidrotic X-linked ectodermal dysplasia (XHED). Also called: ECTODERMAL DYSPLASIA, HYPOHIDROTIC, 1; CST SYNDROME; Anhidrotic ectodermal dysplasia X-linked; Christ Siemens Touraine syndrome; ECTODERMAL DYSPLASIA 1, HYPOHIDROTIC, X-LINKED; ECTODERMAL DYSPLASIA 1, HYPOHIDROTIC/HAIR/TOOTH TYPE, X-LINKED. Identifiers: Orphanet 181, Orphanet 238468, MedGen C0162359, MONDO:0010585, OMIM 305100.

Submission:

Laboratory for Molecular Medicine, Mass General Brigham Personalized Medicine
Classification: Pathogenic for Hypohidrotic X-linked ectodermal dysplasia. Last evaluated: 2015-09-16. Review status: criteria provided, single submitter. Criteria: ACMG Guidelines, 2015. Collection method: clinical testing. Allele origin: germline.
Comment: The deletion of exon 2 of EDA has not been reported in the literature but has been identified by our laboratory in other individuals with hypohidrotic ectodermal dysplasia (HED). In addition, single or multiple exon deletions in the EDA gene have been reported in individuals with XLHED, including deletions encompassing exon 2 (Kere 1996, Bayes 1998, Monreal 1998, Paakkonen 2001, Vincent 2001, Lexner 2008, Li 2008, Gros 2010, Cluzeau 2011). This deletion is expected to lead to a truncated or absent protein. In summary, this variant meets our criteria to be classified as pathogenic for HED in an X-linked manner.

Literature cited by the submitters: PubMed 11295832; PubMed 9683615; PubMed 11378824; PubMed 20374512; PubMed 18427821; PubMed 20979233; PubMed 9736768; PubMed 18510547; PubMed 8696334.

NC_000023.11:g.(?_69956687)_(69957126_?)del

Gene: EDA (ectodysplasin A; plus strand). Cytogenetic location: Xq13.1.
Variant type: Deletion.
Identifiers: ClinVar variation 3076004 (VCV003076004.1).